The following is an entry in ClinVar:

ClinVar aggregate classification (germline): Likely benign. Review status: criteria provided, multiple submitters, no conflicts (2 of 4 stars). 2 submissions from 2 submitters: Likely benign (2). Last evaluated 2024-08-01.

Conditions:
Familial cold autoinflammatory syndrome 3 (FCAS3). Also called: ANTIBODY DEFICIENCY AND IMMUNE DYSREGULATION, PLCG2-ASSOCIATED; FAMILIAL ATYPICAL COLD URTICARIA. Identifiers: Orphanet 300359, MedGen C3280914, MONDO:0013766, OMIM 614468.

Allele frequency attached by ClinVar (database versions not stated): 1000 Genomes Project 0.00020; 1000 Genomes Project 30x 0.00031.
gnomAD v4.1: 29 of 1,589,966 alleles (0.0018%); highest among the groups gnomAD compares: African/African-American, 0.004%; no homozygotes.

Submissions (2):

CeGaT Center for Human Genetics Tuebingen
Classification: Likely benign. Last evaluated: 2024-08-01. Review status: criteria provided, single submitter. Criteria: CeGaT Center For Human Genetics Tuebingen Variant Classification Criteria Version 2. Collection method: clinical testing. Allele origin: germline. Affected: yes. Observed: 1 variant allele.
Comment: PLCG2: BP4

Labcorp Genetics (formerly Invitae), Labcorp
Classification: Likely benign for Familial cold autoinflammatory syndrome 3. Last evaluated: 2022-12-25. Review status: criteria provided, single submitter. Criteria: Invitae Variant Classification Sherloc (09022015). Collection method: clinical testing. Allele origin: germline.

NM_002661.5(PLCG2):c.2514+7C>G

Gene: PLCG2 (phospholipase C gamma 2; plus strand). Cytogenetic location: 16q23.3.
Variant type: single nucleotide variant.
Coding change: c.2514+7C>G on transcript NM_002661.5 (MANE Select); 7 bases into the intron after coding-DNA position 2514, C replaced by G.
Molecular consequence: intron variant.
Genome position (GRCh38, 1-based): chr16:81,927,185, C>G. VCF-style: chr16-81927185-C-G. GRCh37 (hg19) VCF-style: chr16-81960790-C-G.
Identifiers: ClinVar variation 1641020 (VCV001641020.24), dbSNP rs540522878, ClinGen allele CA285177472.